The following is an entry in ClinVar:

NM_032608.7(MYO18B):c.1583_1601del (p.Thr528fs)

Gene: MYO18B (myosin XVIIIB; plus strand). Cytogenetic location: 22q12.1.
Variant type: Deletion.
Coding change: c.1583_1601del on transcript NM_032608.7 (MANE Select); coding-DNA positions 1583 to 1601, 19 bases deleted (CGGTGCTAAAGCCAGATGA).
Protein change: p.Thr528fs; shifts the reading frame from threonine 528.
Molecular consequence: frameshift variant.
Genome position (GRCh38, 1-based): chr22:25,770,875-25,770,893, CGGTGCTAAAGCCAGATGA deleted; deleting any 19 consecutive bases within chr22:25,770,874-25,770,893 gives the same sequence; the c. name uses the placement nearest the transcript's 3' end. VCF-style (leftmost placement, unchanged base first): chr22-25770873-TACGGTGCTAAAGCCAGATG-T. GRCh37 (hg19) VCF-style: chr22-26166840-TACGGTGCTAAAGCCAGATG-T.
Other names: c.1583_1601del, p.Thr528fs (NM_001318245.2); short protein forms T528fs.
Identifiers: ClinVar variation 2197968 (VCV002197968.1), dbSNP rs2517675398, ClinGen allele CA2580099361.

ClinVar aggregate classification (germline): Pathogenic (1 of 4 stars; one submission).

Submission:

Labcorp Genetics (formerly Invitae), Labcorp
Classification: Pathogenic. Last evaluated: 2022-06-29. Review status: criteria provided, single submitter. Criteria: Invitae Variant Classification Sherloc (09022015). Collection method: clinical testing. Allele origin: germline.
Comment: This sequence change creates a premature translational stop signal (p.Thr528Argfs*11) in the MYO18B gene. It is expected to result in an absent or disrupted protein product. Loss-of-function variants in MYO18B are known to be pathogenic (PMID: 25748484, 32184166, 32637634). This variant is not present in population databases (gnomAD no frequency). This variant has not been reported in the literature in individuals affected with MYO18B-related conditions. Algorithms developed to predict the effect of sequence changes on RNA splicing suggest that this variant may create or strengthen a splice site. For these reasons, this variant has been classified as Pathogenic.

Literature cited by the submitters: PubMed 25748484; PubMed 32184166; PubMed 32637634.